The following is an entry in ClinVar:

ClinVar aggregate classification (germline): Uncertain significance (1 of 4 stars; one submission).

Conditions:
Cortical dysplasia-focal epilepsy syndrome (PTHSL1). Also called: Pitt-Hopkins-like syndrome 1. Identifiers: Orphanet 163681, Orphanet 221150, MedGen C2750246, MONDO:0012400, OMIM 610042.

Allele frequency attached by ClinVar (database versions not stated): gnomAD exomes below 0.00001; ExAC 0.00001; TOPMed 0.00002.
gnomAD v4.1: 5 of 1,613,610 alleles (0.00031%); highest among the groups gnomAD compares: Middle Eastern, 0.017%; no homozygotes.

Submission:

Labcorp Genetics (formerly Invitae), Labcorp
Classification: Uncertain significance for Cortical dysplasia-focal epilepsy syndrome. Last evaluated: 2024-10-25. Review status: criteria provided, single submitter. Criteria: Invitae Variant Classification Sherloc (09022015). Collection method: clinical testing. Allele origin: germline.
Comment: This sequence change replaces methionine, which is neutral and non-polar, with arginine, which is basic and polar, at codon 442 of the CNTNAP2 protein (p.Met442Arg). This variant is present in population databases (rs755900240, gnomAD 0.003%). This variant has not been reported in the literature in individuals affected with CNTNAP2-related conditions. ClinVar contains an entry for this variant (Variation ID: 651237). An algorithm developed to predict the effect of missense changes on protein structure and function (PolyPhen-2) suggests that this variant¬†is likely to be tolerated. In summary, the available evidence is currently insufficient to determine the role of this variant in disease. Therefore, it has been classified as a Variant of Uncertain Significance.

NM_014141.6(CNTNAP2):c.1325T>G (p.Met442Arg)

Gene: CNTNAP2 (contactin associated protein 2; plus strand). Cytogenetic location: 7q35.
Variant type: single nucleotide variant.
Coding change: c.1325T>G on transcript NM_014141.6 (MANE Select); coding-DNA position 1325, T replaced by G.
Protein change: p.Met442Arg; replaces methionine 442 with arginine.
Molecular consequence: missense variant.
Genome position (GRCh38, 1-based): chr7:147,132,486, T>G. VCF-style: chr7-147132486-T-G. GRCh37 (hg19) VCF-style: chr7-146829578-T-G.
Other names: short protein forms M442R.
Identifiers: ClinVar variation 651237 (VCV000651237.10), dbSNP rs755900240, ClinGen allele CA4546020.